The following is an entry in ClinVar:

ClinVar aggregate classification (germline): Benign. Review status: criteria provided, multiple submitters, no conflicts (2 of 4 stars). 7 submissions from 7 submitters: Benign (7). Last evaluated 2026-02-03.

Conditions:
Brain small vessel disease 2A, autosomal dominant. Also called: Porencephaly 2. Identifiers: Orphanet 2940, Orphanet 99810, MedGen C3280970, MONDO:0013773, OMIM 614483.

Allele frequency attached by ClinVar (database versions not stated): 1000 Genomes Project 30x 0.23095; 1000 Genomes Project 0.23862; TOPMed 0.26038; ESP Exome Variant Server 0.26285; gnomAD 0.28294 and 0.28464; gnomAD exomes 0.30942 and 0.36200; ExAC 0.31443.
gnomAD v4.1: 546,512 of 1,547,466 alleles (35%); highest among the groups gnomAD compares: Non-Finnish European, 38%; 100,692 homozygotes.

Submissions (7):

Labcorp Genetics (formerly Invitae), Labcorp
Classification: Benign. Last evaluated: 2026-02-03. Review status: criteria provided, single submitter. Criteria: Invitae Variant Classification Sherloc (09022015). Collection method: clinical testing. Allele origin: germline.

Blueprint Genetics
Classification: Benign. Last evaluated: 2024-11-27. Review status: criteria provided, single submitter. Criteria: ACMG Guidelines, 2015. Collection method: clinical testing. Allele origin: germline.

Mayo Clinic Laboratories, Mayo Clinic
Classification: Benign. Last evaluated: 2022-04-26. Review status: criteria provided, single submitter. Criteria: ACMG Guidelines, 2015. Collection method: clinical testing. Allele origin: germline. Observed: 134 variant alleles.

Genome-Nilou Lab
Classification: Benign for Brain small vessel disease 2A, autosomal dominant. Last evaluated: 2021-07-22. Review status: criteria provided, single submitter. Criteria: ACMG Guidelines, 2015. Collection method: clinical testing. Allele origin: germline. Affected: no.

GeneDx
Classification: Benign. Last evaluated: 2018-04-12. Review status: criteria provided, single submitter. Criteria: GeneDx Variant Classification (06012015). Collection method: clinical testing. Allele origin: germline. Affected: yes.
Comment: This variant is considered likely benign or benign based on one or more of the following criteria: it is a conservative change, it occurs at a poorly conserved position in the protein, it is predicted to be benign by multiple in silico algorithms, and/or has population frequency not consistent with disease.

Illumina Laboratory Services, Illumina
Classification: Benign for Brain small vessel disease 2A, autosomal dominant. Last evaluated: 2018-01-13. Review status: criteria provided, single submitter. Criteria: ICSL Variant Classification Criteria 13 December 2019. Collection method: clinical testing. Allele origin: germline.
Comment: This variant was observed in the ICSL laboratory as part of a predisposition screen in an ostensibly healthy population. It had not been previously curated by ICSL or reported in the Human Gene Mutation Database (HGMD: prior to June 1st, 2018), and was therefore a candidate for classification through an automated scoring system. Utilizing variant allele frequency, disease prevalence and penetrance estimates, and inheritance mode, an automated score was calculated to assess if this variant is too frequent to cause the disease. Based on the score and internal cut-off values, a variant classified as benign is not then subjected to further curation. The score for this variant resulted in a classification of benign for this disease.

Breakthrough Genomics
Classification: Benign. Review status: criteria provided, single submitter. Criteria: ACMG Guidelines, 2015. Collection method: not provided. Allele origin: germline. Inheritance: Autosomal dominant inheritance. Affected: yes.

NM_001846.4(COL4A2):c.1095G>A (p.Pro365=)

Gene: COL4A2 (collagen type IV alpha 2 chain; plus strand). Cytogenetic location: 13q34.
Variant type: single nucleotide variant.
Coding change: c.1095G>A on transcript NM_001846.4 (MANE Select); coding-DNA position 1095, G replaced by A.
Protein change: p.Pro365=; no amino-acid change (proline 365 retained).
Molecular consequence: synonymous variant.
Genome position (GRCh38, 1-based): chr13:110,449,695, G>A. VCF-style: chr13-110449695-G-A. GRCh37 (hg19) VCF-style: chr13-111102042-G-A.
Other names: p.Pro365=.
Identifiers: ClinVar variation 311119 (VCV000311119.20), dbSNP rs76425569, ClinGen allele CA7049318.